The following is an entry in ClinVar:

NM_001430.5(EPAS1):c.1561T>A (p.Phe521Ile)

Gene: EPAS1 (endothelial PAS domain protein 1; plus strand). Cytogenetic location: 2p21.
Variant type: single nucleotide variant.
Coding change: c.1561T>A on transcript NM_001430.5 (MANE Select); coding-DNA position 1561, T replaced by A.
Protein change: p.Phe521Ile; replaces phenylalanine 521 with isoleucine.
Molecular consequence: missense variant.
Genome position (GRCh38, 1-based): chr2:46,380,233, T>A. VCF-style: chr2-46380233-T-A. GRCh37 (hg19) VCF-style: chr2-46607372-T-A.
Other names: short protein forms F521I.
Identifiers: ClinVar variation 2565081 (VCV002565081.2), dbSNP rs2546476621, ClinGen allele CA346704387.

ClinVar aggregate classification (germline): Uncertain significance (1 of 4 stars; one submission).

Conditions:
Inborn genetic diseases. Identifiers: MedGen C0950123, MeSH D030342.

Submission:

Ambry Genetics
Classification: Uncertain significance for Inborn genetic diseases. Last evaluated: 2023-06-09. Review status: criteria provided, single submitter. Criteria: Ambry Variant Classification Scheme 2023. Collection method: clinical testing. Allele origin: germline.
Comment: The p.F521I variant (also known as c.1561T>A), located in coding exon 12 of the EPAS1 gene, results from a T to A substitution at nucleotide position 1561. The phenylalanine at codon 521 is replaced by isoleucine, an amino acid with highly similar properties. This amino acid position is conserved. In addition, the in silico prediction for this alteration is inconclusive. Since supporting evidence is limited at this time, the clinical significance of this alteration remains unclear.